The following is an entry in ClinVar:

NM_001164508.2(NEB):c.17897C>T (p.Pro5966Leu)

Gene: NEB (nebulin; minus strand). Cytogenetic location: 2q23.3.
Variant type: single nucleotide variant.
Coding change: c.17897C>T on transcript NM_001164508.2 (MANE Select); coding-DNA position 17897, C replaced by T.
Protein change: p.Pro5966Leu; replaces proline 5966 with leucine.
Molecular consequence: missense variant.
Genome position (GRCh38, 1-based): chr2:151,567,427, G>A on the plus strand (C>T on the coding strand, the complement: NEB is on the minus strand). VCF-style: chr2-151567427-G-A. GRCh37 (hg19) VCF-style: chr2-152423941-G-A.
Other names: c.17897C>T, p.Pro5966Leu (NM_001164507.2, NM_001271208.2); c.12794C>T, p.Pro4265Leu (NM_004543.5); c.17897C>T (NM_001271208.1); short protein forms P4265L, P5966L.
Identifiers: ClinVar variation 331462 (VCV000331462.23), dbSNP rs368912483, ClinGen allele CA1908071.
Genomic context (GRCh38, chr2:151,567,427, plus strand): 5'-TCATTCTGAATCTGGCCTGCATGCTCAAACCAAACCAGCTTAGGATCATCTCTCATCGTC[G>A]GGACACCAACATAATGACCTTTTTGCTTCACATGTTCAGCTTTGTATTTCAGCTGGCGAG-3'
Protein context (NP_001157980.2, residues 5956-5976): VKQKGHYVGV[Pro5966Leu]TMRDDPKLVW

ClinVar aggregate classification (germline): Conflicting classifications of pathogenicity. Review status: criteria provided, conflicting classifications (1 of 4 stars). 9 submissions from 9 submitters: Uncertain significance (6); Benign (1); Likely benign (1). 1 of the submissions does not count toward it. Last evaluated 2026-08-01.

Conditions:
Arthrogryposis multiplex congenita 6. Identifiers: MedGen C5543431, MONDO:0030281, OMIM 619334.
Nemaline myopathy 2 (NEM2). Also called: Nemaline myopathy 2, autosomal recessive. Identifiers: MedGen C1850569, MONDO:0009725, OMIM 256030.
Inborn genetic diseases. Identifiers: MedGen C0950123, MeSH D030342.

Allele frequency attached by ClinVar (database versions not stated): gnomAD exomes 0.00006; ExAC 0.00007; ESP Exome Variant Server 0.00008; gnomAD 0.00017 and 0.00020; TOPMed 0.00023.
gnomAD v4.1: 116 of 1,613,224 alleles (0.0072%); highest among the groups gnomAD compares: African/African-American, 0.063%; 1 homozygote.

Submissions (9):

CeGaT Center for Human Genetics Tuebingen
Classification: Likely benign. Last evaluated: 2026-08-01. Review status: criteria provided, single submitter. Criteria: CeGaT Center For Human Genetics Tuebingen Variant Classification Criteria Version 2. Collection method: clinical testing. Allele origin: germline. Affected: yes. Observed: 1 variant allele.
Comment: NEB: BS2

Labcorp Genetics (formerly Invitae), Labcorp
Classification: Benign for Nemaline myopathy 2. Last evaluated: 2026-01-18. Review status: criteria provided, single submitter. Criteria: Invitae Variant Classification Sherloc (09022015). Collection method: clinical testing. Allele origin: germline.

GeneDx
Classification: Uncertain significance. Last evaluated: 2024-01-23. Review status: criteria provided, single submitter. Criteria: GeneDx Variant Classification Process June 2021. Collection method: clinical testing. Allele origin: germline. Affected: yes.
Comment: Reported in a patient with congenital myopathy and motor developmental delay in published literature; of note, the NEB variant did not segregate in the affected sibling and both affected patients were found to harbor a pathogenic variant in the RYR1 gene (PMID: 29576327); In silico analysis supports that this missense variant has a deleterious effect on protein structure/function; This variant is associated with the following publications: (PMID: 29576327)

Department of Pathology and Laboratory Medicine, Sinai Health System
Classification: Uncertain significance for Nemaline myopathy 2; Arthrogryposis multiplex congenita 6. Last evaluated: 2023-04-11. Review status: criteria provided, single submitter. Criteria: ACMG Guidelines, 2015. Collection method: research. Allele origin: germline.

Revvity Omics, Revvity
Classification: Uncertain significance. Last evaluated: 2023-03-30. Review status: criteria provided, single submitter. Criteria: ACMG Guidelines, 2015. Collection method: clinical testing. Allele origin: germline.

Illumina Laboratory Services, Illumina
Classification: Uncertain significance for Nemaline myopathy 2. Last evaluated: 2018-01-13. Review status: criteria provided, single submitter. Criteria: ICSL Variant Classification Criteria 13 December 2019. Collection method: clinical testing. Allele origin: germline.

Ambry Genetics
Classification: Uncertain significance for Inborn genetic diseases. Last evaluated: 2017-04-07. Review status: criteria provided, single submitter. Criteria: Ambry exome assertion method (8-5-2015). Collection method: clinical testing. Allele origin: germline. Affected: yes. Observed: 1 variant allele.

Eurofins Ntd Llc (ga)
Classification: Uncertain significance. Last evaluated: 2017-02-20. Review status: criteria provided, single submitter. Criteria: EGL Classification Definitions 2015. Collection method: clinical testing. Allele origin: germline. Observed: 1 variant allele, 1 heterozygote.

Natera, Inc.
Classification: Uncertain significance for Nemaline myopathy type 2. Last evaluated: 2020-09-16. Review status: no assertion criteria provided. Collection method: clinical testing. Allele origin: germline. Not counted in ClinVar's aggregate classification.